The following is an entry in ClinVar:

ClinVar aggregate classification (germline): Uncertain significance. Review status: criteria provided, multiple submitters, no conflicts (2 of 4 stars). 2 submissions from 2 submitters: Uncertain significance (2). Last evaluated 2025-06-18.

Conditions:
Inborn genetic diseases. Identifiers: MedGen C0950123, MeSH D030342.

Allele frequency attached by ClinVar (database versions not stated): ExAC 0.00005; gnomAD exomes 0.00009; ESP Exome Variant Server 0.00015; gnomAD 0.00017 and 0.00019.

Submissions (2):

Ambry Genetics
Classification: Uncertain significance for Inborn genetic diseases. Last evaluated: 2025-06-18. Review status: criteria provided, single submitter. Criteria: Ambry Variant Classification Scheme 2023. Collection method: clinical testing. Allele origin: germline.

Labcorp Genetics (formerly Invitae), Labcorp
Classification: Uncertain significance. Last evaluated: 2022-07-06. Review status: criteria provided, single submitter. Criteria: Invitae Variant Classification Sherloc (09022015). Collection method: clinical testing. Allele origin: germline.
Comment: This sequence change replaces aspartic acid, which is acidic and polar, with asparagine, which is neutral and polar, at codon 1084 of the TONSL protein (p.Asp1084Asn). This variant is present in population databases (rs143207385, gnomAD 0.03%). This variant has not been reported in the literature in individuals affected with TONSL-related conditions. ClinVar contains an entry for this variant (Variation ID: 1448196). Algorithms developed to predict the effect of missense changes on protein structure and function (SIFT, PolyPhen-2, Align-GVGD) all suggest that this variant is likely to be tolerated. In summary, the available evidence is currently insufficient to determine the role of this variant in disease. Therefore, it has been classified as a Variant of Uncertain Significance.

NM_013432.5(TONSL):c.3250G>A (p.Asp1084Asn)

Gene: TONSL (tonsoku like, DNA repair protein; minus strand). Cytogenetic location: 8q24.3.
Variant type: single nucleotide variant.
Coding change: c.3250G>A on transcript NM_013432.5 (MANE Select); coding-DNA position 3250, G replaced by A.
Protein change: p.Asp1084Asn; replaces aspartic acid 1084 with asparagine.
Molecular consequence: missense variant.
Genome position (GRCh38, 1-based): chr8:144,434,115, C>T on the plus strand (G>A on the coding strand, the complement: TONSL is on the minus strand). VCF-style: chr8-144434115-C-T. GRCh37 (hg19) VCF-style: chr8-145659498-C-T.
Other names: c.3250G>A (NM_013432.4); short protein forms D1084N.
Identifiers: ClinVar variation 1448196 (VCV001448196.6), dbSNP rs143207385, ClinGen allele CA4942552.
Genomic context (GRCh38, chr8:144,434,115, plus strand): 5'-CAAGGAGGGCCAGGCTGGGCATGGTGCCCAGGGCAGCCACCAGCTCAGCCACACACTTGT[C>T]CCCCAGCCGGTTCCCTGCCAGGCGCAGCTCCCGGAGTGCTGTGTGCAGCTTGAGGGCCCG-3'
Protein context (NP_038460.4, residues 1074-1094): ELRLAGNRLG[Asp1084Asn]KCVAELVAAL